The following is an entry in ClinVar:

NM_000089.4(COL1A2):c.3382C>T (p.Leu1128Phe)

Gene: COL1A2 (collagen type I alpha 2 chain; plus strand). Cytogenetic location: 7q21.3.
Variant type: single nucleotide variant.
Coding change: c.3382C>T on transcript NM_000089.4 (MANE Select); coding-DNA position 3382, C replaced by T.
Protein change: p.Leu1128Phe; replaces leucine 1128 with phenylalanine.
Molecular consequence: missense variant.
Genome position (GRCh38, 1-based): chr7:94,427,741, C>T. VCF-style: chr7-94427741-C-T. GRCh37 (hg19) VCF-style: chr7-94057053-C-T.
Other names: short protein forms L1128F.
Identifiers: ClinVar variation 2922149 (VCV002922149.3), dbSNP rs764382391, ClinGen allele CA4347749.
Genomic context (GRCh38, chr7:94,427,741, plus strand): 5'-TATGACTTTGGTTACGATGGAGACTTCTACAGGGCTGACCAGCCTCGCTCAGCACCTTCT[C>T]TCAGACCCAAGGACTATGAAGTTGATGCTACTCTGAAGTCTCTCAACAACCAGATTGAGA-3'
Protein context (NP_000080.2, residues 1118-1138): RADQPRSAPS[Leu1128Phe]RPKDYEVDAT

ClinVar aggregate classification (germline): Uncertain significance (1 of 4 stars; one submission).

Conditions:
Osteogenesis imperfecta type I (OI1). Also called: Lobstein disease; OI, TYPE I; OSTEOGENESIS IMPERFECTA TARDA; OSTEOGENESIS IMPERFECTA WITH BLUE SCLERAE; Osteogenesis imperfecta type 1; Lobstein's Disease. Identifiers: Orphanet 216796, Orphanet 666, MedGen C0023931, MONDO:0008146, OMIM 166200. Disease mechanism: loss of function.
Ehlers-Danlos syndrome, classic type, 1 (EDSCL1). Also called: EDS I; EHLERS-DANLOS SYNDROME, GRAVIS TYPE; EHLERS-DANLOS SYNDROME, SEVERE CLASSIC TYPE; Ehlers-Danlos syndrome, type 1; Ehlers-Danlos Syndrome, Classic Type, COL5A1-Related. Identifiers: MedGen C0268335, MONDO:0019567, OMIM 130000.

Allele frequency attached by ClinVar (database versions not stated): ExAC 0.00001.
gnomAD v4.1: 1 of 1,614,162 alleles (0.000062%); highest among the groups gnomAD compares: Non-Finnish European, 0.000085%; no homozygotes.

Submission:

Labcorp Genetics (formerly Invitae), Labcorp
Classification: Uncertain significance for Osteogenesis imperfecta type I; Ehlers-Danlos syndrome, classic type, 1. Last evaluated: 2024-02-14. Review status: criteria provided, single submitter. Criteria: Invitae Variant Classification Sherloc (09022015). Collection method: clinical testing. Allele origin: germline.
Comment: This sequence change replaces leucine, which is neutral and non-polar, with phenylalanine, which is neutral and non-polar, at codon 1128 of the COL1A2 protein (p.Leu1128Phe). This variant is present in population databases (rs764382391, gnomAD 0.0009%). This variant has not been reported in the literature in individuals affected with COL1A2-related conditions. Advanced modeling of protein sequence and biophysical properties (such as structural, functional, and spatial information, amino acid conservation, physicochemical variation, residue mobility, and thermodynamic stability) performed at Invitae indicates that this missense variant is not expected to disrupt COL1A2 protein function with a negative predictive value of 95%. In summary, the available evidence is currently insufficient to determine the role of this variant in disease. Therefore, it has been classified as a Variant of Uncertain Significance.